The following is an entry in ClinVar:

NM_017875.4(SLC25A38):c.858A>G (p.Ala286=)

Gene: SLC25A38 (solute carrier family 25 member 38; plus strand). Cytogenetic location: 3p22.1.
Variant type: single nucleotide variant.
Coding change: c.858A>G on transcript NM_017875.4 (MANE Select); coding-DNA position 858, A replaced by G.
Protein change: p.Ala286=; no amino-acid change (alanine 286 retained).
Molecular consequence: synonymous variant. On other transcripts: missense variant (1).
Genome position (GRCh38, 1-based): chr3:39,396,463, A>G. VCF-style: chr3-39396463-A-G. GRCh37 (hg19) VCF-style: chr3-39437954-A-G.
Other names: c.691A>G, p.Ser231Gly (NM_001354798.2); short protein forms S231G.
Identifiers: ClinVar variation 2653690 (VCV002653690.24), dbSNP rs752955819, ClinGen allele CA2327568.

ClinVar aggregate classification (germline): Likely benign (1 of 4 stars; one submission).

Allele frequency attached by ClinVar (database versions not stated): TOPMed below 0.00001; ExAC 0.00001; gnomAD 0.00001; gnomAD exomes 0.00003.
gnomAD v4.1: 44 of 1,613,984 alleles (0.0027%); highest among the groups gnomAD compares: Non-Finnish European, 0.0034%; no homozygotes.

Submission:

CeGaT Center for Human Genetics Tuebingen
Classification: Likely benign. Last evaluated: 2023-02-01. Review status: criteria provided, single submitter. Criteria: CeGaT Center For Human Genetics Tuebingen Variant Classification Criteria Version 2. Collection method: clinical testing. Allele origin: germline. Affected: yes. Observed: 1 variant allele.
Comment: SLC25A38: BP4, BP7